The following is an entry in ClinVar:

NM_001349253.2(SCN11A):c.983G>T (p.Cys328Phe)

Gene: SCN11A (sodium voltage-gated channel alpha subunit 11; minus strand). Cytogenetic location: 3p22.2.
Variant type: single nucleotide variant.
Coding change: c.983G>T on transcript NM_001349253.2 (MANE Select); coding-DNA position 983, G replaced by T.
Protein change: p.Cys328Phe; replaces cysteine 328 with phenylalanine.
Molecular consequence: missense variant.
Genome position (GRCh38, 1-based): chr3:38,910,184, C>A on the plus strand (G>T on the coding strand, the complement: SCN11A is on the minus strand). VCF-style: chr3-38910184-C-A. GRCh37 (hg19) VCF-style: chr3-38951675-C-A.
Other names: c.983G>T, p.Cys328Phe (NM_014139.3); short protein forms C328F.
Identifiers: ClinVar variation 4792450 (VCV004792450.1).

ClinVar aggregate classification (germline): Uncertain significance (1 of 4 stars; one submission).

Conditions:
Familial episodic pain syndrome with predominantly lower limb involvement. Also called: Episodic pain syndrome, familial, 3. Identifiers: Orphanet 391384, Orphanet 391392, MedGen C3809899, MONDO:0014247, OMIM 615552.
Hereditary sensory and autonomic neuropathy type 7. Also called: Neuropathy, hereditary sensory and autonomic, type VII; HSAN VII. Identifiers: Orphanet 391397, MedGen C3809882, MONDO:0014244, OMIM 615548.

Submission:

Labcorp Genetics (formerly Invitae), Labcorp
Classification: Uncertain significance for Familial episodic pain syndrome with predominantly lower limb involvement; Hereditary sensory and autonomic neuropathy type 7. Last evaluated: 2025-10-01. Review status: criteria provided, single submitter. Criteria: Invitae Variant Classification Sherloc (09022015). Collection method: clinical testing. Allele origin: germline.
Comment: This sequence change replaces cysteine, which is neutral and slightly polar, with phenylalanine, which is neutral and non-polar, at codon 328 of the SCN11A protein (p.Cys328Phe). This variant is not present in population databases (gnomAD no frequency). This variant has not been reported in the literature in individuals affected with SCN11A-related conditions. Invitae Evidence Modeling of protein sequence and biophysical properties (such as structural, functional, and spatial information, amino acid conservation, physicochemical variation, residue mobility, and thermodynamic stability) indicates that this missense variant is expected to disrupt SCN11A protein function with a positive predictive value of 80%. In summary, the available evidence is currently insufficient to determine the role of this variant in disease. Therefore, it has been classified as a Variant of Uncertain Significance.